The following is an entry in ClinVar:

NM_001401501.2(MUC16):c.11631T>C (p.Asp3877=)

Gene: MUC16 (mucin 16, cell surface associated; minus strand). Cytogenetic location: 19p13.2.
Variant type: single nucleotide variant.
Coding change: c.11631T>C on transcript NM_001401501.2 (MANE Select); coding-DNA position 11631, T replaced by C.
Protein change: p.Asp3877=; no amino-acid change (aspartic acid 3877 retained).
Molecular consequence: synonymous variant.
Genome position (GRCh38, 1-based): chr19:8,965,259, A>G on the plus strand (T>C on the coding strand, the complement: MUC16 is on the minus strand). VCF-style: chr19-8965259-A-G. GRCh37 (hg19) VCF-style: chr19-9075935-A-G.
Other names: c.12057T>C, p.Asp4019= (NM_001414686.1); c.11511T>C, p.Asp3837= (NM_001414687.1, NM_024690.2).
Identifiers: ClinVar variation 3039818 (VCV003039818.2), dbSNP rs369251239, ClinGen allele CA9171233.

ClinVar aggregate classification (germline): Benign (0 of 4 stars; one submission).

Conditions:
MUC16-related disorder. Also called: MUC16-related condition.

Allele frequency attached by ClinVar (database versions not stated): gnomAD exomes 0.00026; ExAC 0.00066; gnomAD 0.00229; 1000 Genomes Project 0.00260; TOPMed 0.00275; 1000 Genomes Project 30x 0.00281; ESP Exome Variant Server 0.00288.

Submission:

PreventionGenetics, part of Exact Sciences
Classification: Benign for MUC16-related condition. Last evaluated: 2019-09-30. Review status: no assertion criteria provided. Collection method: clinical testing. Allele origin: germline.
Comment: This variant is classified as benign based on ACMG/AMP sequence variant interpretation guidelines (Richards et al. 2015 PMID: 25741868, with internal and published modifications).